The following is an entry in ClinVar:

NM_000530.8(MPZ):c.118G>A (p.Gly40Ser)

Gene: MPZ (myelin protein zero; minus strand). Cytogenetic location: 1q23.3.
Variant type: single nucleotide variant.
Coding change: c.118G>A on transcript NM_000530.8 (MANE Select); coding-DNA position 118, G replaced by A.
Protein change: p.Gly40Ser; replaces glycine 40 with serine.
Molecular consequence: missense variant.
Genome position (GRCh38, 1-based): chr1:161,307,374, C>T on the plus strand (G>A on the coding strand, the complement: MPZ is on the minus strand). VCF-style: chr1-161307374-C-T. GRCh37 (hg19) VCF-style: chr1-161277164-C-T.
Other names: c.118G>A, p.Gly40Ser (NM_001315491.2); short protein forms G40S.
Identifiers: ClinVar variation 4795858 (VCV004795858.1).

ClinVar aggregate classification (germline): Likely pathogenic (1 of 4 stars; one submission).

Conditions:
Dejerine-Sottas disease. Also called: DEJERINE-SOTTAS NEUROPATHY; HEREDITARY MOTOR AND SENSORY NEUROPATHY TYPE III; Charcot-Marie-Tooth disease type 3; HMSN Type III; Hereditary motor and sensory neuropathy 3. Identifiers: Orphanet 64748, MedGen C0011195, MONDO:0007790, OMIM 145900.

Submission:

Genetic Diseases Diagnostic Center, Koc University Hospital
Classification: Likely pathogenic for Dejerine-Sottas disease. Last evaluated: 2026-01-31. Review status: criteria provided, single submitter. Criteria: ACMG Guidelines, 2015. Collection method: clinical testing. Allele origin: biparental. Inheritance: Autosomal recessive inheritance. Affected: yes.
Comment: This variant causes an amino acid change at position 40 from Gly, which is a nonpolar amino acid, to Ser which is polar. In silico prediction tools (Mutation Taster, Polyphen-2, SIFT) predict deleterious effect of this variant (PP3). This variant has not been reported in the population databases (gnomAD, ESP, 1000 G) (PM2). It is in a mutational hot spot, and missense mutation is a common mechanism of the disease for the MPZ-related phenotypes (PMID: 26310628) (PM1, PP2). These data support classifying this variant as likely pathogenic based on the ACMG/AMP criteria.

Literature cited by the submitters: PubMed 26310628.